The following is an entry in ClinVar:

NM_000329.3(RPE65):c.250A>G (p.Ile84Val)

Gene: RPE65 (retinoid isomerohydrolase RPE65; minus strand). Cytogenetic location: 1p31.3.
Variant type: single nucleotide variant.
Coding change: c.250A>G on transcript NM_000329.3 (MANE Select); coding-DNA position 250, A replaced by G.
Protein change: p.Ile84Val; replaces isoleucine 84 with valine.
Molecular consequence: missense variant. On other transcripts: 5 prime UTR variant (2), intron variant (1).
Genome position (GRCh38, 1-based): chr1:68,444,879, T>C on the plus strand (A>G on the coding strand, the complement: RPE65 is on the minus strand). VCF-style: chr1-68444879-T-C. GRCh37 (hg19) VCF-style: chr1-68910562-T-C.
Other names: c.-27A>G (NM_001406856.1, NM_001406857.1); c.250A>G, p.Ile84Val (NM_001406859.1, NM_001406860.1); c.246-207A>G (NM_001406853.1); short protein forms I84V.
Identifiers: ClinVar variation 4794481 (VCV004794481.1).
Genomic context (GRCh38, chr1:68,444,879, plus strand): 5'-CAAATTCTGTTATGACGATCCTTTTCTCAGTCATTGCCCGTACGTAAGCATCAGTGCGGA[T>C]GAACCTGAAGGACATTGAAACATAGGGAAGAGTATAGACAGGAGCAATCCGTACAGCCCA-3'
Protein context (NP_000320.1, residues 74-94): EGHVTYHRRF[Ile84Val]RTDAYVRAMT

ClinVar aggregate classification (germline): Uncertain significance (1 of 4 stars; one submission).

Conditions:
Retinitis pigmentosa 20 (RP20). Identifiers: Orphanet 791, MedGen C3151086, MONDO:0013425, OMIM 613794.
Leber congenital amaurosis 2 (LCA2). Also called: Autosomal Recessive RPE65-Related Retinal Degeneration; AMAUROSIS CONGENITA OF LEBER II. Identifiers: Orphanet 65, MedGen C1859844, MONDO:0008765, OMIM 204100. Disease mechanism: loss of function.

gnomAD v4.1: 6 of 1,613,892 alleles (0.00037%); highest among the groups gnomAD compares: Admixed American, 0.0033%; no homozygotes.

Submission:

Labcorp Genetics (formerly Invitae), Labcorp
Classification: Uncertain significance for Leber congenital amaurosis 2; Retinitis pigmentosa 20. Last evaluated: 2025-12-19. Review status: criteria provided, single submitter. Criteria: Invitae Variant Classification Sherloc (09022015). Collection method: clinical testing. Allele origin: germline.
Comment: This sequence change replaces isoleucine, which is neutral and non-polar, with valine, which is neutral and non-polar, at codon 84 of the RPE65 protein (p.Ile84Val). This variant is present in population databases (no rsID available, gnomAD 0.006%). This variant has not been reported in the literature in individuals affected with RPE65-related conditions. Invitae Evidence Modeling of protein sequence and biophysical properties (such as structural, functional, and spatial information, amino acid conservation, physicochemical variation, residue mobility, and thermodynamic stability) indicates that this missense variant is not expected to disrupt RPE65 protein function with a negative predictive value of 80%. In summary, the available evidence is currently insufficient to determine the role of this variant in disease. Therefore, it has been classified as a Variant of Uncertain Significance.